The following is an entry in ClinVar:

ClinVar aggregate classification (germline): Conflicting classifications of pathogenicity. Review status: criteria provided, conflicting classifications (1 of 4 stars). 2 submissions from 2 submitters: Uncertain significance (1); Likely benign (1). Last evaluated 2020-04-30.

Submissions (2):

Women's Health and Genetics/Laboratory Corporation of America, LabCorp
Classification: Uncertain significance. Last evaluated: 2020-04-30. Review status: criteria provided, single submitter. Criteria: LabCorp Variant Classification Summary - May 2015. Collection method: clinical testing. Allele origin: germline.
Comment: Variant summary: BRCA2 c.8633-19_8633-17delAAT alters a nucleotide located close to a canonical splice site and therefore could affect mRNA splicing, leading to a significantly altered protein sequence. 4/4 computational tools predict no significant impact on normal splicing. However, these predictions have yet to be confirmed by functional studies. The variant allele was found at a frequency of 8e-06 in 250038 control chromosomes. The available data on variant occurrences in the general population are insufficient to allow any conclusion about variant significance. To our knowledge, no occurrence of c.8633-19_8633-17delAAT in individuals affected with Hereditary Breast And Ovarian Cancer Syndrome and no experimental evidence demonstrating its impact on protein function have been reported. One clinical diagnostic laboratory has submitted clinical-significance assessments for this variant to ClinVar after 2014 without evidence for independent evaluation. One laboratory classified the variant as likely benign. Based on the evidence outlined above, the variant was classified as VUS - possibly benign.

GeneDx
Classification: Likely benign. Last evaluated: 2016-05-17. Review status: criteria provided, single submitter. Criteria: GeneDx Variant Classification (06012015). Collection method: clinical testing. Allele origin: germline. Affected: yes.
Comment: This variant is considered likely benign or benign based on one or more of the following criteria: it is a conservative change, it occurs at a poorly conserved position in the protein, it is predicted to be benign by multiple in silico algorithms, and/or has population frequency not consistent with disease.

NM_000059.4(BRCA2):c.8633-19_8633-17del

Gene: BRCA2 (BRCA2 DNA repair associated; plus strand). Cytogenetic location: 13q13.1.
Variant type: Microsatellite.
Coding change: c.8633-19_8633-17del on transcript NM_000059.4 (MANE Select); 19 bases into the intron before coding-DNA position 8633 through 17 bases into the intron before coding-DNA position 8633, 3 bases deleted (AAT; older notation c.8633-19_8633-17delAAT).
Molecular consequence: intron variant.
Genome position (GRCh38, 1-based): chr13:32,376,651-32,376,653, AAT deleted; deleting any 3 consecutive bases within chr13:32,376,647-32,376,653 gives the same sequence; the c. name uses the placement nearest the transcript's 3' end. VCF-style (leftmost placement, unchanged base first): chr13-32376646-TTAA-T. GRCh37 (hg19) VCF-style: chr13-32950783-TTAA-T.
Other names: c.8633-19_8633-17delAAT (NM_000059.3).
Identifiers: ClinVar variation 421247 (VCV000421247.3), dbSNP rs770871854, ClinGen allele CA6941278.